The following is an entry in ClinVar:

NM_001365276.2(TNXB):c.8791+1G>A

Gene: TNXB (tenascin XB; minus strand). Cytogenetic location: 6p21.33.
Variant type: single nucleotide variant.
Coding change: c.8791+1G>A on transcript NM_001365276.2 (MANE Select); the canonical splice donor site of the intron after coding-DNA position 8791, G replaced by A.
Molecular consequence: splice donor variant.
Genome position (GRCh38, 1-based): chr6:32,053,387, C>T on the plus strand (G>A on the coding strand, the complement: TNXB is on the minus strand). VCF-style: chr6-32053387-C-T. GRCh37 (hg19) VCF-style: chr6-32021164-C-T.
Other names: c.8785+1G>A (NM_019105.8); c.9532+1G>A (NM_001428335.1).
Identifiers: ClinVar variation 3907647 (VCV003907647.2).

ClinVar aggregate classification (germline): Conflicting classifications of pathogenicity. Review status: criteria provided, conflicting classifications (1 of 4 stars). 2 submissions from 2 submitters: Likely pathogenic (1); Uncertain significance (1). Last evaluated 2025-11-21.

Conditions:
Ehlers-Danlos syndrome due to tenascin-X deficiency (EDSCLL1). Also called: EDS DUE TO TNX DEFICIENCY; TNX DEFICIENCY; EHLERS-DANLOS SYNDROME, CLASSIC-LIKE; Ehlers-Danlos syndrome, classic-like, 1; TNXB-Related Classical-Like Ehlers-Danlos Syndrome. Identifiers: Orphanet 230839, MedGen C1848029, MONDO:0011670, OMIM 606408.

gnomAD v4.1: 14 of 1,612,116 alleles (0.00087%); highest among the groups gnomAD compares: Non-Finnish European, 0.0012%; no homozygotes.

Submissions (2):

Myriad Genetics, Inc.
Classification: Uncertain significance for Ehlers-Danlos syndrome due to tenascin-X deficiency. Last evaluated: 2025-11-21. Review status: criteria provided, single submitter. Criteria: Myriad Autosomal Dominant, Autosomal Recessive and X-Linked Classification Criteria (2023). Collection method: clinical testing. Allele origin: unknown.
Comment: NM_019105.6(TNXB):c.8785+1G>A is a variant in a canonical splice site classified as a variant of uncertain significance in the context of classical-like Ehlers-Danlos syndrome, TNXB-related. c.8785+1G>A has not been observed in cases with relevant disease. Relevant functional assessments of this variant are not available in the literature. c.8785+1G>A has not been observed in referenced population frequency databases. In summary, there is insufficient evidence to classify NM_019105.6(TNXB):c.8785+1G>A as pathogenic or benign. Please note: this variant was assessed in the context of healthy population screening.

Women's Health and Genetics/Laboratory Corporation of America, LabCorp
Classification: Likely pathogenic for Ehlers-Danlos syndrome due to tenascin-X deficiency. Last evaluated: 2025-06-19. Review status: criteria provided, single submitter. Criteria: LabCorp Variant Classification Summary - May 2015. Collection method: clinical testing. Allele origin: germline.
Comment: Variant summary: TNXB c.8785+1G>A is located in a canonical splice-site and is predicted to affect mRNA splicing resulting in a significantly altered protein due to either exon skipping, shortening, or inclusion of intronic material. Variants that disrupt the consensus splice site are a relatively common cause of aberrant splicing and loss of TNXB function. Several computational tools predict a significant impact on normal splicing: Four predict the variant abolishes a 5' splicing donor site. However, these predictions have yet to be confirmed by functional studies. The variant was absent in 243666 control chromosomes. To our knowledge, no occurrence of c.8785+1G>A in individuals affected with Ehlers-Danlos syndrome due to tenascin-X deficiency and no experimental evidence demonstrating its impact on protein function have been reported. No submitters have cited clinical-significance assessments for this variant to ClinVar. Based on the evidence outlined above, the variant was classified as likely pathogenic.